The following is an entry in ClinVar:

NM_004260.4(RECQL4):c.283G>C (p.Gly95Arg)

Gene: RECQL4 (RecQ like helicase 4; minus strand). Cytogenetic location: 8q24.3.
Variant type: single nucleotide variant.
Coding change: c.283G>C on transcript NM_004260.4 (MANE Select); coding-DNA position 283, G replaced by C.
Protein change: p.Gly95Arg; replaces glycine 95 with arginine.
Molecular consequence: missense variant.
Genome position (GRCh38, 1-based): chr8:144,517,121, C>G on the plus strand (G>C on the coding strand, the complement: RECQL4 is on the minus strand). VCF-style: chr8-144517121-C-G. GRCh37 (hg19) VCF-style: chr8-145742505-C-G.
Other names: c.283G>C (NM_004260.3); short protein forms G95R.
Identifiers: ClinVar variation 1036955 (VCV001036955.4), dbSNP rs1564810489, ClinGen allele CA372692147.

ClinVar aggregate classification (germline): Uncertain significance. Review status: criteria provided, multiple submitters, no conflicts (2 of 4 stars). 2 submissions from 2 submitters: Uncertain significance (2). Last evaluated 2025-05-11.

Conditions:
Baller-Gerold syndrome (BGS). Also called: CRANIOSYNOSTOSIS WITH RADIAL DEFECTS. Identifiers: Orphanet 1225, MedGen C0265308, MONDO:0009039, OMIM 218600.
Inborn genetic diseases. Identifiers: MedGen C0950123, MeSH D030342.

Allele frequency attached by ClinVar (database versions not stated): TOPMed below 0.00001.

Submissions (2):

Ambry Genetics
Classification: Uncertain significance for Inborn genetic diseases. Last evaluated: 2025-05-11. Review status: criteria provided, single submitter. Criteria: Ambry Variant Classification Scheme 2023. Collection method: clinical testing. Allele origin: germline.
Comment: The p.G95R variant (also known as c.283G>C), located in coding exon 4 of the RECQL4 gene, results from a G to C substitution at nucleotide position 283. The glycine at codon 95 is replaced by arginine, an amino acid with dissimilar properties. This amino acid position is conserved. In addition, this alteration is predicted to be tolerated by in silico analysis. Based on the available evidence, the clinical significance of this variant remains unclear.

Labcorp Genetics (formerly Invitae), Labcorp
Classification: Uncertain significance for Baller-Gerold syndrome. Last evaluated: 2020-06-15. Review status: criteria provided, single submitter. Criteria: Invitae Variant Classification Sherloc (09022015). Collection method: clinical testing. Allele origin: germline.
Comment: In summary, the available evidence is currently insufficient to determine the role of this variant in disease. Therefore, it has been classified as a Variant of Uncertain Significance. Experimental studies and prediction algorithms are not available or were not evaluated, and the functional significance of this variant is currently unknown. This sequence change replaces glycine with arginine at codon 95 of the RECQL4 protein (p.Gly95Arg). The glycine residue is weakly conserved and there is a moderate physicochemical difference between glycine and arginine. This variant is not present in population databases (ExAC no frequency). This variant has not been reported in the literature in individuals with RECQL4-related conditions.